The following is an entry in ClinVar:

ClinVar aggregate classification (germline): Uncertain significance (1 of 4 stars; one submission).

Conditions:
Cardiovascular phenotype. Identifiers: MedGen CN230736.

Allele frequency attached by ClinVar (database versions not stated): TOPMed below 0.00001.
gnomAD v4.1: 2 of 1,601,812 alleles (0.00012%); highest among the groups gnomAD compares: African/African-American, 0.0013%; no homozygotes.

Submission:

Ambry Genetics
Classification: Uncertain significance for Cardiovascular phenotype. Last evaluated: 2023-06-17. Review status: criteria provided, single submitter. Criteria: Ambry Variant Classification Scheme 2023. Collection method: clinical testing. Allele origin: germline.
Comment: The p.R346Q variant (also known as c.1037G>A), located in coding exon 10 of the PRDM5 gene, results from a G to A substitution at nucleotide position 1037. The arginine at codon 346 is replaced by glutamine, an amino acid with highly similar properties. This amino acid position is conserved. In addition, the in silico prediction for this alteration is inconclusive. Since supporting evidence is limited at this time, the clinical significance of this alteration remains unclear.

NM_018699.4(PRDM5):c.1037G>A (p.Arg346Gln)

Gene: PRDM5 (PR/SET domain 5; minus strand). Cytogenetic location: 4q27.
Variant type: single nucleotide variant.
Coding change: c.1037G>A on transcript NM_018699.4 (MANE Select); coding-DNA position 1037, G replaced by A.
Protein change: p.Arg346Gln; replaces arginine 346 with glutamine.
Molecular consequence: missense variant.
Genome position (GRCh38, 1-based): chr4:120,798,418, C>T on the plus strand (G>A on the coding strand, the complement: PRDM5 is on the minus strand). VCF-style: chr4-120798418-C-T. GRCh37 (hg19) VCF-style: chr4-121719573-C-T.
Other names: c.944G>A, p.Arg315Gln (NM_001300823.2, NM_001300824.2, NM_001379106.1); c.1070G>A, p.Arg357Gln (NM_001379104.1); short protein forms R346Q, R315Q, R357Q.
Identifiers: ClinVar variation 2626687 (VCV002626687.2), dbSNP rs1305838798, ClinGen allele CA358210352.